The following is an entry in ClinVar:

NM_007194.4(CHEK2):c.866A>T (p.Lys289Ile)

Gene: CHEK2 (checkpoint kinase 2; minus strand). Cytogenetic location: 22q12.1.
Variant type: single nucleotide variant.
Coding change: c.866A>T on transcript NM_007194.4 (MANE Select); coding-DNA position 866, A replaced by T.
Protein change: p.Lys289Ile; replaces lysine 289 with isoleucine.
Molecular consequence: missense variant.
Genome position (GRCh38, 1-based): chr22:28,703,547, T>A on the plus strand (A>T on the coding strand, the complement: CHEK2 is on the minus strand). VCF-style: chr22-28703547-T-A. GRCh37 (hg19) VCF-style: chr22-29099535-T-A.
Other names: c.866A>T, p.Lys289Ile (NM_145862.3); c.995A>T, p.Lys332Ile (NM_001005735.3); c.203A>T, p.Lys68Ile (NM_001257387.3); c.665A>T, p.Lys222Ile (NM_001349956.3); short protein forms K289I, K332I, K68I, K222I.
Identifiers: ClinVar variation 483370 (VCV000483370.6), dbSNP rs1555916997, ClinGen allele CA411101219.

ClinVar aggregate classification (germline): Uncertain significance. Review status: criteria provided, multiple submitters, no conflicts (2 of 4 stars). 2 submissions from 2 submitters: Uncertain significance (2). Last evaluated 2024-02-29.

Conditions:
Hereditary cancer-predisposing syndrome. Also called: Neoplastic Syndromes, Hereditary; Tumor predisposition; Hereditary Cancer Syndrome; Hereditary neoplastic syndrome. Identifiers: Orphanet 140162, MedGen C0027672, MeSH D009386, MONDO:0015356.
CHEK2-related cancer predisposition (TPDS4). Also called: CHEK2-related cancer susceptibility; TUMOR PREDISPOSITION SYNDROME 4; CANCER PREDISPOSITION SYNDROME, CHEK2-RELATED. Identifiers: Orphanet 524, MedGen C5882668, MONDO:0700271, OMIM 609265.
Bone osteosarcoma. Also called: Osteosarcoma, somatic. Identifiers: Orphanet 668, MedGen C0585442, MONDO:0002629, OMIM 259500.
Familial prostate cancer. Also called: Hereditary Prostate Cancer. Identifiers: MedGen C2931456, MONDO:0700275, OMIM 176807.

Submissions (2):

Fulgent Genetics
Classification: Uncertain significance for Familial prostate cancer; Bone osteosarcoma; CHEK2-related cancer predisposition. Last evaluated: 2024-02-29. Review status: criteria provided, single submitter. Criteria: ACMG Guidelines, 2015. Collection method: clinical testing. Allele origin: germline.

Ambry Genetics
Classification: Uncertain significance for Hereditary cancer-predisposing syndrome. Last evaluated: 2016-08-17. Review status: criteria provided, single submitter. Criteria: Ambry Variant Classification Scheme 2023. Collection method: clinical testing. Allele origin: germline.
Comment: The p.K289I variant (also known as c.866A>T), located in coding exon 7 of the CHEK2 gene, results from an A to T substitution at nucleotide position 866. The lysine at codon 289 is replaced by isoleucine, an amino acid with dissimilar properties. This variant was not reported in population based cohorts in the following databases: Database of Single Nucleotide Polymorphisms (dbSNP), NHLBI Exome Sequencing Project (ESP), and 1000 Genomes Project. In the ESP, this variant was not observed in 6495 samples (12990 alleles) with coverage at this position. To date, this alteration has been detected with an allele frequency of approximately 0.0004% (greater than 200000 alleles tested) in our clinical cohort. This amino acid position is highly conserved in available vertebrate species. In addition, this alteration is predicted to be tolerated by in silico analysis. Since supporting evidence is limited at this time, the clinical significance of this alteration remains unclear.